The following is an entry in ClinVar:

NM_002547.3(OPHN1):c.1489C>T (p.Arg497Ter)

Gene: OPHN1 (oligophrenin 1; minus strand). Cytogenetic location: Xq12.
Variant type: single nucleotide variant.
Coding change: c.1489C>T on transcript NM_002547.3 (MANE Select); coding-DNA position 1489, C replaced by T.
Protein change: p.Arg497Ter; replaces arginine 497 with a stop codon.
Molecular consequence: nonsense.
Genome position (GRCh38, 1-based): chrX:68,111,891, G>A on the plus strand (C>T on the coding strand, the complement: OPHN1 is on the minus strand). VCF-style: chrX-68111891-G-A. GRCh37 (hg19) VCF-style: chrX-67331733-G-A.
Other names: short protein forms R497*.
Identifiers: ClinVar variation 620153 (VCV000620153.4), dbSNP rs1569215382, ClinGen allele CA413431626.

ClinVar aggregate classification (germline): Pathogenic. Review status: criteria provided, multiple submitters, no conflicts (2 of 4 stars). 4 submissions from 4 submitters: Pathogenic (4). Last evaluated 2025-03-28.

Conditions:
Intellectual developmental disorder, X-linked, syndromic, Billuart type. Also called: MENTAL RETARDATION, X-LINKED 60; X-linked intellectual disability-cerebellar hypoplasia syndrome. Identifiers: Orphanet 137831, MedGen C1845366, MONDO:0010337, OMIM 300486.

Submissions (4):

3billion
Classification: Pathogenic for Intellectual developmental disorder, X-linked, syndromic, Billuart type. Last evaluated: 2025-03-28. Review status: criteria provided, single submitter. Criteria: ACMG Guidelines, 2015. Collection method: clinical testing. Allele origin: germline. Affected: yes.
Comment: The variant is not observed in the gnomAD v4.1.0 dataset. Predicted Consequence/Location: Stop-gained (nonsense): predicted to result in a loss or disruption of normal protein function through nonsense-mediated decay (NMD) or protein truncation. Multiple pathogenic variants are reported downstream of the variant. The variant has been reported at least twice as pathogenic without evidence for the classification (ClinVar ID: VCV000620153 / PMID: 25649377). Therefore, this variant is classified as Pathogenic according to the recommendation of ACMG/AMP guideline.

Labcorp Genetics (formerly Invitae), Labcorp
Classification: Pathogenic. Last evaluated: 2025-03-25. Review status: criteria provided, single submitter. Criteria: Invitae Variant Classification Sherloc (09022015). Collection method: clinical testing. Allele origin: germline.
Comment: This sequence change creates a premature translational stop signal (p.Arg497*) in the OPHN1 gene. It is expected to result in an absent or disrupted protein product. Loss-of-function variants in OPHN1 are known to be pathogenic (PMID: 12807966). This variant is not present in population databases (gnomAD no frequency). This premature translational stop signal has been observed in individual(s) with intellectual disability (PMID: 25649377, 26350204). ClinVar contains an entry for this variant (Variation ID: 620153). For these reasons, this variant has been classified as Pathogenic.

Baylor Genetics
Classification: Pathogenic for Intellectual developmental disorder, X-linked, syndromic, Billuart type. Last evaluated: 2022-12-15. Review status: criteria provided, single submitter. Criteria: ACMG Guidelines, 2015. Collection method: clinical testing. Allele origin: unknown.

GeneDx
Classification: Pathogenic. Last evaluated: 2018-07-16. Review status: criteria provided, single submitter. Criteria: GeneDx Variant Classification (06012015). Collection method: clinical testing. Allele origin: germline. Affected: yes.
Comment: The R497X variant in the OPHN1 gene has been reported previously in multiple individuals with OPHN1-related disorders (Grozeva et al., 2015; Tzschach et al., 2015). This variant is predicted to cause loss of normal protein function either through protein truncation or nonsense-mediated mRNA decay. The R497X variant is not observed in large population cohorts (Lek et al., 2016). We interpret R497X as a pathogenic variant.

Literature cited by the submitters: PubMed 25649377 (cited by 3billion and Labcorp Genetics (formerly Invitae), Labcorp); PubMed 12807966 (cited by Labcorp Genetics (formerly Invitae), Labcorp); PubMed 26350204 (cited by Labcorp Genetics (formerly Invitae), Labcorp).